The following is an entry in ClinVar:

NM_000214.3(JAG1):c.238A>T (p.Lys80Ter)

Gene: JAG1 (jagged canonical Notch ligand 1; minus strand). Cytogenetic location: 20p12.2.
Variant type: single nucleotide variant.
Coding change: c.238A>T on transcript NM_000214.3 (MANE Select); coding-DNA position 238, A replaced by T.
Protein change: p.Lys80Ter; replaces lysine 80 with a stop codon.
Molecular consequence: nonsense.
Genome position (GRCh38, 1-based): chr20:10,672,850, T>A on the plus strand (A>T on the coding strand, the complement: JAG1 is on the minus strand). VCF-style: chr20-10672850-T-A. GRCh37 (hg19) VCF-style: chr20-10653498-T-A.
Other names: c.238A>T, p.Lys80Ter (LRG_1191t1); short protein forms K80*.
Identifiers: ClinVar variation 661831 (VCV000661831.1), dbSNP rs1600196443, ClinGen allele CA408243131.
Genomic context (GRCh38, chr20:10,672,850, plus strand): 5'-GCGTGGACCCTGAGCCGAAGCTGCAGGGCCCCCCGGCCGTGACGCGGGACTGATACTCCT[T>A]GAGGCACACTTTGAAGTATGTGTCACACTCGTCGCGGGTGCACTTGCGGTCTCCCGGGTT-3'

ClinVar aggregate classification (germline): Pathogenic (1 of 4 stars; one submission).

Conditions:
Alagille syndrome due to a JAG1 point mutation. Also called: HEPATIC DUCTULAR HYPOPLASIA, SYNDROMATIC; JAG1-Related Alagille Syndrome; Alagille Syndrome 1. Identifiers: Orphanet 261619, Orphanet 52, MedGen C1956125, MONDO:0016862, OMIM 118450.

Submission:

Labcorp Genetics (formerly Invitae), Labcorp
Classification: Pathogenic for Alagille syndrome 1. Last evaluated: 2018-11-16. Review status: criteria provided, single submitter. Criteria: Invitae Variant Classification Sherloc (09022015). Collection method: clinical testing. Allele origin: germline.
Comment: This sequence change creates a premature translational stop signal (p.Lys80*) in the JAG1 gene. It is expected to result in an absent or disrupted protein product. This variant is not present in population databases (ExAC no frequency). This variant has not been reported in the literature in individuals with JAG1-related disease. Loss-of-function variants in JAG1 are known to be pathogenic (PMID: 11180599). For these reasons, this variant has been classified as Pathogenic.